The following is an entry in ClinVar:

NM_145861.4(EDARADD):c.359A>T (p.Asp120Val)

Gene: EDARADD (EDAR associated via death domain; plus strand). Cytogenetic location: 1q43.
Variant type: single nucleotide variant.
Coding change: c.359A>T on transcript NM_145861.4 (MANE Select); coding-DNA position 359, A replaced by T.
Protein change: p.Asp120Val; replaces aspartic acid 120 with valine.
Molecular consequence: missense variant.
Genome position (GRCh38, 1-based): chr1:236,482,360, A>T. VCF-style: chr1-236482360-A-T. GRCh37 (hg19) VCF-style: chr1-236645660-A-T.
Other names: c.293A>T, p.Asp98Val (NM_001422628.1); c.329A>T, p.Asp110Val (NM_080738.5); short protein forms D110V, D120V, D98V.
Identifiers: ClinVar variation 4277299 (VCV004277299.1).

ClinVar aggregate classification (germline): Likely pathogenic (1 of 4 stars; one submission).

Conditions:
Ectodermal dysplasia 11A, hypohidrotic/hair/tooth type, autosomal dominant. Identifiers: Orphanet 1810, Orphanet 238468, MedGen C3541517, MONDO:0013982, OMIM 614940.

Submission:

Sfax Medical Genetics Laboratory, Laboratoire Ksentini
Classification: Likely pathogenic for Ectodermal dysplasia 11A, hypohidrotic/hair/tooth type, autosomal dominant. Review status: criteria provided, single submitter. Criteria: ACMG Guidelines, 2015. Collection method: clinical testing. Allele origin: unknown. Affected: yes. Observed: 1 heterozygote.
Comment: EDARADD:c.359A>T (p.Asp120Val) is a missense variant resulting in the substitution of an aspartic acid (Asp, D) by a valine (Val, V) at AA 120. This variant is absent in Dataset gnomAD v4.1.0 (PM2). In silico prediction tools predict a damaging effects (REVEL: 0.91) (PP3_moderate). A different missense change at the same codon has been reported to be associated with EDARADD related disorder: D120Y, PMID: 34219261; D120A, ClinVar :VCV001333297.1 (PM5). In summary, this variant meets criteria to be classified as likely pathogenic (PM2, PP3_moderate, PM5, PP4).

Literature cited by the submitters: PubMed 34219261.